The following is an entry in ClinVar:

NM_014714.4(IFT140):c.2658G>T (p.Gln886His)

Gene: IFT140 (intraflagellar transport 140; minus strand). Cytogenetic location: 16p13.3.
Variant type: single nucleotide variant.
Coding change: c.2658G>T on transcript NM_014714.4 (MANE Select); coding-DNA position 2658, G replaced by T.
Protein change: p.Gln886His; replaces glutamine 886 with histidine.
Molecular consequence: missense variant.
Genome position (GRCh38, 1-based): chr16:1,525,997, C>A on the plus strand (G>T on the coding strand, the complement: IFT140 is on the minus strand). VCF-style: chr16-1525997-C-A. GRCh37 (hg19) VCF-style: chr16-1575998-C-A.
Other names: c.2658G>T (NM_014714.3); short protein forms Q886H.
Identifiers: ClinVar variation 4754258 (VCV004754258.3).

ClinVar aggregate classification (germline): Uncertain significance. Review status: criteria provided, multiple submitters, no conflicts (2 of 4 stars). 3 submissions from 3 submitters: Uncertain significance (3). Last evaluated 2026-06-15.

Conditions:
Inborn genetic diseases. Identifiers: MedGen C0950123, MeSH D030342.
Saldino-Mainzer syndrome (SRTD9). Also called: CONORENAL SYNDROME; SHORT-RIB THORACIC DYSPLASIA 9 WITHOUT POLYDACTYLY; Renal dysplasia, retinal pigmentary dystrophy, cerebellar ataxia and skeletal dysplasia; short-rib thoracic dysplasia 9 with or without polydactyly. Identifiers: Orphanet 140969, MedGen C1849437, MONDO:0009964, OMIM 266920.

gnomAD v4.1: 9 of 1,599,364 alleles (0.00056%); highest among the groups gnomAD compares: African/African-American, 0.0013%; no homozygotes.

Submissions (3):

Ambry Genetics
Classification: Uncertain significance for Inborn genetic diseases. Last evaluated: 2026-06-15. Review status: criteria provided, single submitter. Criteria: Ambry Variant Classification Scheme 2023. Collection method: clinical testing. Allele origin: germline.

Labcorp Genetics (formerly Invitae), Labcorp
Classification: Uncertain significance for Saldino-Mainzer syndrome. Last evaluated: 2025-08-20. Review status: criteria provided, single submitter. Criteria: Invitae Variant Classification Sherloc (09022015). Collection method: clinical testing. Allele origin: germline.
Comment: This sequence change replaces glutamine, which is neutral and polar, with histidine, which is basic and polar, at codon 886 of the IFT140 protein (p.Gln886His). This variant is not present in population databases (gnomAD no frequency). This variant has not been reported in the literature in individuals affected with IFT140-related conditions. Invitae Evidence Modeling of protein sequence and biophysical properties (such as structural, functional, and spatial information, amino acid conservation, physicochemical variation, residue mobility, and thermodynamic stability) has been performed for this missense variant. However, the output from this modeling did not meet the statistical confidence thresholds required to predict the impact of this variant on IFT140 protein function. In summary, the available evidence is currently insufficient to determine the role of this variant in disease. Therefore, it has been classified as a Variant of Uncertain Significance.

Blueprint Genetics
Classification: Uncertain significance. Last evaluated: 2022-02-24. Review status: criteria provided, single submitter. Criteria: ACMG Guidelines, 2015. Collection method: clinical testing. Allele origin: germline.